The following is an entry in ClinVar:

ClinVar aggregate classification (germline): Uncertain significance. Review status: criteria provided, multiple submitters, no conflicts (2 of 4 stars). 2 submissions from 2 submitters: Uncertain significance (2). Last evaluated 2025-08-22.

Allele frequency attached by ClinVar (database versions not stated): gnomAD 0.00001; ExAC 0.00002; gnomAD exomes 0.00002; TOPMed 0.00002.
gnomAD v4.1: 14 of 1,613,696 alleles (0.00087%); highest among the groups gnomAD compares: Admixed American, 0.013%; no homozygotes.

Submissions (2):

Ambry Genetics
Classification: Uncertain significance. Last evaluated: 2025-08-22. Review status: criteria provided, single submitter. Criteria: Ambry Variant Classification Scheme 2023. Collection method: clinical testing. Allele origin: germline.

Labcorp Genetics (formerly Invitae), Labcorp
Classification: Uncertain significance. Last evaluated: 2021-10-28. Review status: criteria provided, single submitter. Criteria: Invitae Variant Classification Sherloc (09022015). Collection method: clinical testing. Allele origin: germline.
Comment: In summary, the available evidence is currently insufficient to determine the role of this variant in disease. Therefore, it has been classified as a Variant of Uncertain Significance. Algorithms developed to predict the effect of missense changes on protein structure and function (SIFT, PolyPhen-2, Align-GVGD) all suggest that this variant is likely to be tolerated. This variant has not been reported in the literature in individuals affected with SORL1-related conditions. This variant is present in population databases (rs747754232, gnomAD 0.009%). This sequence change replaces arginine, which is basic and polar, with histidine, which is basic and polar, at codon 1303 of the SORL1 protein (p.Arg1303His).

NM_003105.6(SORL1):c.3908G>A (p.Arg1303His)

Gene: SORL1 (sortilin related receptor 1; plus strand). Cytogenetic location: 11q24.1.
Variant type: single nucleotide variant.
Coding change: c.3908G>A on transcript NM_003105.6 (MANE Select); coding-DNA position 3908, G replaced by A.
Protein change: p.Arg1303His; replaces arginine 1303 with histidine.
Molecular consequence: missense variant.
Genome position (GRCh38, 1-based): chr11:121,588,113, G>A. VCF-style: chr11-121588113-G-A. GRCh37 (hg19) VCF-style: chr11-121458822-G-A.
Other names: c.3908G>A (NM_003105.5); short protein forms R1303H.
Identifiers: ClinVar variation 1349687 (VCV001349687.8), dbSNP rs747754232, ClinGen allele CA6329440.